The following is an entry in ClinVar:

ClinVar aggregate classification (germline): Uncertain significance. Review status: criteria provided, multiple submitters, no conflicts (2 of 4 stars). 2 submissions from 2 submitters: Uncertain significance (2). Last evaluated 2025-09-25.

Conditions:
Genitopatellar syndrome (GTPTS). Also called: Genitopatellar syndrome (GPS); ABSENT PATELLAE, SCROTAL HYPOPLASIA, RENAL ANOMALIES, FACIAL DYSMORPHISM, AND MENTAL RETARDATION. Identifiers: Orphanet 85201, MedGen C1853566, MONDO:0011640, OMIM 606170.
Inborn genetic diseases. Identifiers: MedGen C0950123, MeSH D030342.

Submissions (2):

Ambry Genetics
Classification: Uncertain significance for Inborn genetic diseases. Last evaluated: 2025-09-25. Review status: criteria provided, single submitter. Criteria: Ambry Variant Classification Scheme 2023. Collection method: clinical testing. Allele origin: germline.

Labcorp Genetics (formerly Invitae), Labcorp
Classification: Uncertain significance for Genitopatellar syndrome. Last evaluated: 2025-03-16. Review status: criteria provided, single submitter. Criteria: Invitae Variant Classification Sherloc (09022015). Collection method: clinical testing. Allele origin: germline.
Comment: This sequence change replaces methionine, which is neutral and non-polar, with leucine, which is neutral and non-polar, at codon 1986 of the KAT6B protein (p.Met1986Leu). This variant is present in population databases (no rsID available, gnomAD 0.007%). This variant has not been reported in the literature in individuals affected with KAT6B-related conditions. An algorithm developed to predict the effect of missense changes on protein structure and function (PolyPhen-2) suggests that this variant is likely to be disruptive. In summary, the available evidence is currently insufficient to determine the role of this variant in disease. Therefore, it has been classified as a Variant of Uncertain Significance.

NM_012330.4(KAT6B):c.5956A>T (p.Met1986Leu)

Gene: KAT6B (lysine acetyltransferase 6B; plus strand). Cytogenetic location: 10q22.2.
Variant type: single nucleotide variant.
Coding change: c.5956A>T on transcript NM_012330.4 (MANE Select); coding-DNA position 5956, A replaced by T.
Protein change: p.Met1986Leu; replaces methionine 1986 with leucine.
Molecular consequence: missense variant.
Genome position (GRCh38, 1-based): chr10:75,030,780, A>T. VCF-style: chr10-75030780-A-T. GRCh37 (hg19) VCF-style: chr10-76790538-A-T.
Other names: c.5407A>T, p.Met1803Leu (NM_001256468.2, NM_001370138.1); c.5080A>T, p.Met1694Leu (NM_001256469.2, NM_001370139.1, NM_001370140.1 and 2 more transcripts); c.4918A>T, p.Met1640Leu (NM_001370132.1); c.4267A>T, p.Met1423Leu (NM_001370133.1); c.3871A>T, p.Met1291Leu (NM_001370134.1); c.3613A>T, p.Met1205Leu (NM_001370135.1); c.5956A>T, p.Met1986Leu (NM_001370136.1, NM_001370137.1); c.4891A>T, p.Met1631Leu (NM_001370143.1, NM_001370144.1); short protein forms M1640L, M1694L, M1423L, M1631L, M1803L, M1291L, M1986L, M1205L.
Identifiers: ClinVar variation 4622458 (VCV004622458.2).